The following is an entry in ClinVar:

ClinVar aggregate classification (germline): Likely pathogenic (1 of 4 stars; one submission).

Conditions:
Nephronophthisis. Also called: Juvenile Nephronophthisis. Identifiers: Orphanet 655, MedGen C0687120, MONDO:0019005, HP:0000090.

Allele frequency attached by ClinVar (database versions not stated): gnomAD exomes below 0.00001; gnomAD 0.00001; TOPMed 0.00001.
gnomAD v4.1: 14 of 1,613,462 alleles (0.00087%); highest among the groups gnomAD compares: Non-Finnish European, 0.0012%; no homozygotes.

Submission:

Labcorp Genetics (formerly Invitae), Labcorp
Classification: Likely pathogenic for Nephronophthisis. Last evaluated: 2026-01-22. Review status: criteria provided, single submitter. Criteria: Invitae Variant Classification Sherloc (09022015). Collection method: clinical testing. Allele origin: germline.
Comment: This sequence change affects an acceptor splice site in intron 16 of the NPHP3 gene. It is expected to disrupt RNA splicing. Variants that disrupt the donor or acceptor splice site typically lead to a loss of protein function (PMID: 16199547), and loss-of-function variants in NPHP3 are known to be pathogenic (PMID: 18371931, 23559409). This variant is present in population databases (no rsID available, gnomAD 0.0009%). This variant has not been reported in the literature in individuals affected with NPHP3-related conditions. ClinVar contains an entry for this variant (Variation ID: 1066027). Algorithms developed to predict the effect of sequence changes on RNA splicing suggest that this variant may disrupt the consensus splice site. In summary, the currently available evidence indicates that the variant is pathogenic, but additional data are needed to prove that conclusively. Therefore, this variant has been classified as Likely Pathogenic.

Literature cited by the submitters: PubMed 16199547; PubMed 18371931; PubMed 23559409.

NM_153240.5(NPHP3):c.2311-1G>C

Genes: NPHP3 (nephrocystin 3; minus strand), NPHP3-ACAD11 (NPHP3-ACAD11 readthrough (NMD candidate); minus strand). Cytogenetic location: 3q22.1.
Variant type: single nucleotide variant.
Coding change: c.2311-1G>C on transcript NM_153240.5 (MANE Select); the canonical splice acceptor site of the intron before coding-DNA position 2311, G replaced by C.
Molecular consequence: splice acceptor variant.
Genome position (GRCh38, 1-based): chr3:132,692,819, C>G on the plus strand (G>C on the coding strand, the complement: NPHP3 is on the minus strand). VCF-style: chr3-132692819-C-G. GRCh37 (hg19) VCF-style: chr3-132411663-C-G.
Identifiers: ClinVar variation 1066027 (VCV001066027.7), dbSNP rs1363032805, ClinGen allele CA354581600.